The following is an entry in ClinVar:

NM_017760.7(NCAPG2):c.1842C>T (p.Asn614=)

Gene: NCAPG2 (non-SMC condensin II complex subunit G2; minus strand). Cytogenetic location: 7q36.3.
Variant type: single nucleotide variant.
Coding change: c.1842C>T on transcript NM_017760.7 (MANE Select); coding-DNA position 1842, C replaced by T.
Protein change: p.Asn614=; no amino-acid change (asparagine 614 retained).
Molecular consequence: synonymous variant. On other transcripts: non-coding transcript variant (1).
Genome position (GRCh38, 1-based): chr7:158,662,341, G>A on the plus strand (C>T on the coding strand, the complement: NCAPG2 is on the minus strand). VCF-style: chr7-158662341-G-A. GRCh37 (hg19) VCF-style: chr7-158455033-G-A.
Other names: c.1842C>T, p.Asn614= (NM_001281932.2, NM_001281933.2).
Identifiers: ClinVar variation 5039743 (VCV005039743.1).

ClinVar aggregate classification (germline): Likely benign (1 of 4 stars; one submission).

gnomAD v4.1: 22 of 1,588,518 alleles (0.0014%); highest among the groups gnomAD compares: African/African-American, 0.0068%; no homozygotes.

Submission:

CeGaT Center for Human Genetics Tuebingen
Classification: Likely benign. Last evaluated: 2026-08-01. Review status: criteria provided, single submitter. Criteria: CeGaT Center For Human Genetics Tuebingen Variant Classification Criteria Version 2. Collection method: clinical testing. Allele origin: germline. Affected: yes. Observed: 1 variant allele.
Comment: NCAPG2: BP4, BP7